The following is an entry in ClinVar:

NM_001128840.3(CACNA1D):c.1853T>G (p.Phe618Cys)

Gene: CACNA1D (calcium voltage-gated channel subunit alpha1 D; plus strand). Cytogenetic location: 3p21.1.
Variant type: single nucleotide variant.
Coding change: c.1853T>G on transcript NM_001128840.3 (MANE Select); coding-DNA position 1853, T replaced by G.
Protein change: p.Phe618Cys; replaces phenylalanine 618 with cysteine.
Molecular consequence: missense variant.
Genome position (GRCh38, 1-based): chr3:53,723,620, T>G. VCF-style: chr3-53723620-T-G. GRCh37 (hg19) VCF-style: chr3-53757647-T-G.
Other names: c.1913T>G, p.Phe638Cys (NM_000720.4); c.1853T>G, p.Phe618Cys (NM_001128839.3); short protein forms F638C, F618C.
Identifiers: ClinVar variation 1998552 (VCV001998552.4), dbSNP rs2473696682, ClinGen allele CA353237460.
Genomic context (GRCh38, chr3:53,723,620, plus strand): 5'-GAATCACTGAGACGATCTTGGTGGAACTGGAAATCATGTCTCCCCTGGGGATCTCTGTGT[T>G]TCGGTGTGTGCGCCTCTTAAGAATCTTCAAAGTGACCAGGTAAGGAAATGTGGGTCCCAC-3'
Protein context (NP_001122312.1, residues 608-628): EIMSPLGISV[Phe618Cys]RCVRLLRIFK

ClinVar aggregate classification (germline): Uncertain significance (1 of 4 stars; one submission).

Submission:

Labcorp Genetics (formerly Invitae), Labcorp
Classification: Uncertain significance. Last evaluated: 2022-05-25. Review status: criteria provided, single submitter. Criteria: Invitae Variant Classification Sherloc (09022015). Collection method: clinical testing. Allele origin: germline.
Comment: In summary, the available evidence is currently insufficient to determine the role of this variant in disease. Therefore, it has been classified as a Variant of Uncertain Significance. Algorithms developed to predict the effect of missense changes on protein structure and function (SIFT, PolyPhen-2, Align-GVGD) all suggest that this variant is likely to be disruptive. This variant has not been reported in the literature in individuals affected with CACNA1D-related conditions. This variant is not present in population databases (gnomAD no frequency). This sequence change replaces phenylalanine, which is neutral and non-polar, with cysteine, which is neutral and slightly polar, at codon 638 of the CACNA1D protein (p.Phe638Cys).